The following is an entry in ClinVar:

NM_001135651.3(EIF2AK2):c.671G>A (p.Ser224Asn)

Gene: EIF2AK2 (eukaryotic translation initiation factor 2 alpha kinase 2; minus strand). Cytogenetic location: 2p22.2.
Variant type: single nucleotide variant.
Coding change: c.671G>A on transcript NM_001135651.3 (MANE Select); coding-DNA position 671, G replaced by A.
Protein change: p.Ser224Asn; replaces serine 224 with asparagine.
Molecular consequence: missense variant.
Genome position (GRCh38, 1-based): chr2:37,138,286, C>T on the plus strand (G>A on the coding strand, the complement: EIF2AK2 is on the minus strand). VCF-style: chr2-37138286-C-T. GRCh37 (hg19) VCF-style: chr2-37365429-C-T.
Other names: c.671G>A, p.Ser224Asn (NM_001135652.3, NM_002759.4); short protein forms S224N.
Identifiers: ClinVar variation 2895226 (VCV002895226.3), dbSNP rs368648580, ClinGen allele CA1615255.

ClinVar aggregate classification (germline): Uncertain significance (1 of 4 stars; one submission).

Allele frequency attached by ClinVar (database versions not stated): gnomAD exomes below 0.00001; ExAC 0.00001; ESP Exome Variant Server 0.00008.
gnomAD v4.1: 10 of 1,612,900 alleles (0.00062%); highest among the groups gnomAD compares: African/African-American, 0.012%; no homozygotes.

Submission:

Labcorp Genetics (formerly Invitae), Labcorp
Classification: Uncertain significance. Last evaluated: 2023-12-19. Review status: criteria provided, single submitter. Criteria: Invitae Variant Classification Sherloc (09022015). Collection method: clinical testing. Allele origin: germline.
Comment: This sequence change replaces serine, which is neutral and polar, with asparagine, which is neutral and polar, at codon 224 of the EIF2AK2 protein (p.Ser224Asn). This variant is present in population databases (rs368648580, gnomAD 0.01%). This variant has not been reported in the literature in individuals affected with EIF2AK2-related conditions. Algorithms developed to predict the effect of missense changes on protein structure and function output the following: SIFT: "Not Available"; PolyPhen-2: "Benign"; Align-GVGD: "Not Available". The asparagine amino acid residue is found in multiple mammalian species, which suggests that this missense change does not adversely affect protein function. In summary, the available evidence is currently insufficient to determine the role of this variant in disease. Therefore, it has been classified as a Variant of Uncertain Significance.